The following is an entry in ClinVar:

NM_000059.4(BRCA2):c.7992dup (p.Asp2665Ter)

Gene: BRCA2 (BRCA2 DNA repair associated; plus strand). Cytogenetic location: 13q13.1.
Variant type: Duplication.
Coding change: c.7992dup on transcript NM_000059.4 (MANE Select); coding-DNA position 7992, one base duplicated (T; older notation c.7992dupT).
Protein change: p.Asp2665Ter; replaces aspartic acid 2665 with a stop codon.
Molecular consequence: nonsense. On other transcripts: non-coding transcript variant (1), frameshift variant (1).
Genome position (GRCh38, 1-based): chr13:32,363,194, T duplicated; the last of 2 consecutive T bases (chr13:32,363,193-32,363,194); duplicating either gives the same sequence. VCF-style (leftmost placement, unchanged base first): chr13-32363192-A-AT. GRCh37 (hg19) VCF-style: chr13-32937329-A-AT.
Other names: c.7896dup, p.Asp2633Ter (NM_001406719.1); c.7992dup, p.Asp2665Ter (NM_001406720.1, NM_001432077.1); c.3060dup, p.Asp1021Ter (NM_001406721.1); c.1575dup, p.Asp526Ter (NM_001406722.1); c.7992dupT (NM_000059.3); short protein forms D2665*, D526*, D1021*, D2633*.
Identifiers: ClinVar variation 4628235 (VCV004628235.1).

ClinVar aggregate classification (germline): Pathogenic (1 of 4 stars; one submission).

Conditions:
Hereditary cancer-predisposing syndrome. Also called: Neoplastic Syndromes, Hereditary; Tumor predisposition; Hereditary Cancer Syndrome; Hereditary neoplastic syndrome. Identifiers: Orphanet 140162, MedGen C0027672, MeSH D009386, MONDO:0015356.

Submission:

Ambry Genetics
Classification: Pathogenic for Hereditary cancer-predisposing syndrome. Last evaluated: 2025-10-16. Review status: criteria provided, single submitter. Criteria: Ambry Variant Classification Scheme 2023. Collection method: clinical testing. Allele origin: germline.
Comment: The c.7992dupT pathogenic mutation, located in coding exon 17 of the BRCA2 gene, results from a duplication of T at nucleotide position 7992, causing a translational frameshift with a predicted alternate stop codon (p.D2665*). This variant is considered to be rare based on population cohorts in the Genome Aggregation Database (gnomAD). This alteration is expected to result in loss of function by premature protein truncation or nonsense-mediated mRNA decay. As such, this alteration is interpreted as a disease-causing mutation.